The following is an entry in ClinVar:

NM_001365536.1(SCN9A):c.1744G>A (p.Glu582Lys)

Genes: SCN1A-AS1 (SCN1A and SCN9A antisense RNA 1; plus strand), SCN9A (sodium voltage-gated channel alpha subunit 9; minus strand). Cytogenetic location: 2q24.3.
Variant type: single nucleotide variant.
Coding change: c.1744G>A on transcript NM_001365536.1 (MANE Select); coding-DNA position 1744, G replaced by A.
Protein change: p.Glu582Lys; replaces glutamic acid 582 with lysine.
Molecular consequence: missense variant.
Genome position (GRCh38, 1-based): chr2:166,284,683, C>T on the plus strand (G>A on the coding strand, the complement: SCN9A is on the minus strand). VCF-style: chr2-166284683-C-T. GRCh37 (hg19) VCF-style: chr2-167141193-C-T.
Other names: c.1744G>A, p.Glu582Lys (NM_002977.4); short protein forms E582K.
Identifiers: ClinVar variation 538474 (VCV000538474.16), dbSNP rs201391809, ClinGen allele CA1944440.

ClinVar aggregate classification (germline): Uncertain significance. Review status: criteria provided, multiple submitters, no conflicts (2 of 4 stars). 5 submissions from 5 submitters: Uncertain significance (5). Last evaluated 2026-01-12.

Conditions:
Neuropathy, hereditary sensory and autonomic, type 2A (HSAN2A). Also called: ACROOSTEOLYSIS, GIACCAI TYPE; ACROOSTEOLYSIS, NEUROGENIC; MORVAN DISEASE; NEUROPATHY, CONGENITAL SENSORY; NEUROPATHY, HEREDITARY SENSORY RADICULAR, AUTOSOMAL RECESSIVE; NEUROPATHY, HEREDITARY SENSORY, TYPE IIA. Identifiers: Orphanet 970, MedGen C2752089, MONDO:0024309, OMIM 201300.
Generalized epilepsy with febrile seizures plus, type 7 (GEFSP7). Also called: GEFS+, TYPE 7. Identifiers: Orphanet 36387, MedGen C2751778, MONDO:0013470, OMIM 613863.
Inborn genetic diseases. Identifiers: MedGen C0950123, MeSH D030342.

Allele frequency attached by ClinVar (database versions not stated): TOPMed 0.00006; gnomAD exomes 0.00007 and 0.00011; gnomAD 0.00008; ExAC 0.00012.
gnomAD v4.1: 111 of 1,613,858 alleles (0.0069%); highest among the groups gnomAD compares: Non-Finnish European, 0.0069%; no homozygotes.

Submissions (5):

Labcorp Genetics (formerly Invitae), Labcorp
Classification: Uncertain significance for Neuropathy, hereditary sensory and autonomic, type 2A; Generalized epilepsy with febrile seizures plus, type 7. Last evaluated: 2026-01-12. Review status: criteria provided, single submitter. Criteria: Invitae Variant Classification Sherloc (09022015). Collection method: clinical testing. Allele origin: germline.
Comment: This sequence change replaces glutamic acid, which is acidic and polar, with lysine, which is basic and polar, at codon 582 of the SCN9A protein (p.Glu582Lys). This variant is present in population databases (rs201391809, gnomAD 0.03%). This missense change has been observed in individual(s) with Dravet syndrome. However, this individual was also observed to carry a de novo pathogenic variant in SCN1A (PMID: 23895530). ClinVar contains an entry for this variant (Variation ID: 538474). Invitae Evidence Modeling of protein sequence and biophysical properties (such as structural, functional, and spatial information, amino acid conservation, physicochemical variation, residue mobility, and thermodynamic stability) indicates that this missense variant is not expected to disrupt SCN9A protein function with a negative predictive value of 95%. In summary, the available evidence is currently insufficient to determine the role of this variant in disease. Therefore, it has been classified as a Variant of Uncertain Significance.

Blueprint Genetics
Classification: Uncertain significance. Last evaluated: 2024-10-11. Review status: criteria provided, single submitter. Criteria: ACMG Guidelines, 2015. Collection method: clinical testing. Allele origin: germline.

Ambry Genetics
Classification: Uncertain significance for Inborn genetic diseases. Last evaluated: 2023-12-26. Review status: criteria provided, single submitter. Criteria: Ambry Variant Classification Scheme 2023. Collection method: clinical testing. Allele origin: germline.

Revvity Omics, Revvity
Classification: Uncertain significance. Last evaluated: 2020-10-13. Review status: criteria provided, single submitter. Criteria: ACMG Guidelines, 2015. Collection method: clinical testing. Allele origin: germline.

Baylor Genetics
Classification: Uncertain significance for Generalized epilepsy with febrile seizures plus, type 7. Last evaluated: 2018-03-20. Review status: criteria provided, single submitter. Criteria: ACMG Guidelines, 2015. Collection method: clinical testing. Allele origin: paternal. Affected: yes.
Comment: This variant was determined to be of uncertain significance according to ACMG Guidelines, 2015 [PMID:25741868].

Literature cited by the submitters: PubMed 23895530 (cited by Labcorp Genetics (formerly Invitae), Labcorp); PubMed 37079850 (cited by Ambry Genetics).